The following is an entry in ClinVar:

ClinVar aggregate classification (germline): Pathogenic/Likely pathogenic. Review status: criteria provided, multiple submitters, no conflicts (2 of 4 stars). 5 submissions from 5 submitters: Pathogenic (4); Likely pathogenic (1). Last evaluated 2025-09-22.

Conditions:
Usher syndrome type 2A. Also called: RETINAL DISEASE IN USHER SYNDROME TYPE IIA, MODIFIER OF; USHER SYNDROME, TYPE IIA. Identifiers: Orphanet 231178, Orphanet 886, MedGen C1848634, MONDO:0010169, OMIM 276901.
USH2A-related disorder. Also called: USH2A-related condition; USH2A-related disorders. Identifiers: MedGen CN239332.
Retinitis pigmentosa 39 (RP39). Identifiers: Orphanet 791, MedGen C3151138, MONDO:0013436, OMIM 613809.

Allele frequency attached by ClinVar (database versions not stated): gnomAD exomes below 0.00001 and 0.00001; gnomAD 0.00002; TOPMed 0.00002.
gnomAD v4.1: 7 of 1,613,226 alleles (0.00043%); highest among the groups gnomAD compares: Non-Finnish European, 0.00059%; no homozygotes.

Submissions (5):

Natera, Inc.
Classification: Pathogenic for Usher syndrome type 2A. Last evaluated: 2025-09-22. Review status: criteria provided, single submitter. Criteria: Natera Variant Classification Schema (03/2026). Collection method: clinical testing. Allele origin: germline.
Comment: The c.1644+1G>A variant in USH2A is a canonical splice donor site variant predicted to affect pre-mRNA splicing, which may result in an abnormal transcript and altered protein product. This variant is expected to result in nonsense mediated decay, truncation, or a dysfunctional protein product. This variant is rare in the general population with a frequency below the threshold expected for the associated phenotype(s). This variant has been observed in one or more individuals affected with the associated recessive disease, as either homozygous or compound heterozygous with a second variant (PMID: 26338283). Given the available evidence, this variant is classified as Pathogenic.

Labcorp Genetics (formerly Invitae), Labcorp
Classification: Pathogenic. Last evaluated: 2024-02-23. Review status: criteria provided, single submitter. Criteria: Invitae Variant Classification Sherloc (09022015). Collection method: clinical testing. Allele origin: germline.
Comment: This sequence change affects a donor splice site in intron 9 of the USH2A gene. It is expected to disrupt RNA splicing. Variants that disrupt the donor or acceptor splice site typically lead to a loss of protein function (PMID: 16199547), and loss-of-function variants in USH2A are known to be pathogenic (PMID: 10729113, 10909849, 20507924, 25649381). This variant is present in population databases (no rsID available, gnomAD 0.002%). Disruption of this splice site has been observed in individual(s) with Usher syndrome (PMID: 26338283). ClinVar contains an entry for this variant (Variation ID: 866766). Algorithms developed to predict the effect of sequence changes on RNA splicing suggest that this variant may disrupt the consensus splice site. For these reasons, this variant has been classified as Pathogenic.

Genome-Nilou Lab
Classification: Likely pathogenic for Retinitis pigmentosa 39. Last evaluated: 2023-04-11. Review status: criteria provided, single submitter. Criteria: ACMG Guidelines, 2015. Collection method: clinical testing. Allele origin: germline. Affected: no.

Baylor Genetics
Classification: Pathogenic for Retinitis pigmentosa 39. Last evaluated: 2023-03-25. Review status: criteria provided, single submitter. Criteria: ACMG Guidelines, 2015. Collection method: clinical testing. Allele origin: unknown.

Blueprint Genetics
Classification: Pathogenic for USH2A-related disorders. Last evaluated: 2022-12-16. Review status: criteria provided, single submitter. Criteria: ACMG Guidelines, 2015. Collection method: clinical testing. Allele origin: germline. Affected: yes. Observed: 2 variant alleles.

Literature cited by the submitters: PubMed 26338283 (cited by Natera, Inc. and Labcorp Genetics (formerly Invitae), Labcorp); PubMed 16199547 (cited by Labcorp Genetics (formerly Invitae), Labcorp); PubMed 10729113 (cited by Labcorp Genetics (formerly Invitae), Labcorp); PubMed 10909849 (cited by Labcorp Genetics (formerly Invitae), Labcorp); PubMed 20507924 (cited by Labcorp Genetics (formerly Invitae), Labcorp); PubMed 25649381 (cited by Labcorp Genetics (formerly Invitae), Labcorp).

NM_206933.4(USH2A):c.1644+1G>A

Gene: USH2A (usherin; minus strand). Cytogenetic location: 1q41.
Variant type: single nucleotide variant.
Coding change: c.1644+1G>A on transcript NM_206933.4 (MANE Select); the canonical splice donor site of the intron after coding-DNA position 1644, G replaced by A.
Molecular consequence: splice donor variant.
Genome position (GRCh38, 1-based): chr1:216,321,882, C>T on the plus strand (G>A on the coding strand, the complement: USH2A is on the minus strand). VCF-style: chr1-216321882-C-T. GRCh37 (hg19) VCF-style: chr1-216495224-C-T.
Other names: c.1644+1G>A (NM_007123.6).
Identifiers: ClinVar variation 866766 (VCV000866766.13), dbSNP rs912980910, ClinGen allele CA37897594.
Genomic context (GRCh38, chr1:216,321,882, plus strand): 5'-ATTTATAGTCACCATCTCTACTATTTTTTTTTTAGATTTCCATGCATAAAATAGAACTCA[C>T]ATGAAGTCCTTCAGTGAAGCTCTCCTGGGAGCAGAGGCATCTATATGGCTGGCTTGTTGT-3'